The following is an entry in ClinVar:

ClinVar aggregate classification (germline): Uncertain significance (1 of 4 stars; one submission).

Conditions:
Arrhythmogenic right ventricular dysplasia 5. Also called: ARRHYTHMOGENIC RIGHT VENTRICULAR DYSPLASIA, FAMILIAL, 5; Arrhythmogenic Right Ventricular Dysplasia/Cardiomyopathy 5. Identifiers: MedGen C1858379, MONDO:0011459, OMIM 604400.

Submission:

Labcorp Genetics (formerly Invitae), Labcorp
Classification: Uncertain significance for Arrhythmogenic right ventricular dysplasia 5. Last evaluated: 2025-09-03. Review status: criteria provided, single submitter. Criteria: Invitae Variant Classification Sherloc (09022015). Collection method: clinical testing. Allele origin: germline.
Comment: This sequence change replaces methionine, which is neutral and non-polar, with leucine, which is neutral and non-polar, at codon 36 of the TMEM43 protein (p.Met36Leu). This variant is not present in population databases (gnomAD no frequency). This variant has not been reported in the literature in individuals affected with TMEM43-related conditions. Invitae Evidence Modeling of protein sequence and biophysical properties (such as structural, functional, and spatial information, amino acid conservation, physicochemical variation, residue mobility, and thermodynamic stability) indicates that this missense variant is not expected to disrupt TMEM43 protein function with a negative predictive value of 80%. Algorithms developed to predict the effect of sequence changes on RNA splicing suggest that this variant may disrupt the consensus splice site. In summary, the available evidence is currently insufficient to determine the role of this variant in disease. Therefore, it has been classified as a Variant of Uncertain Significance.

NM_024334.3(TMEM43):c.106A>T (p.Met36Leu)

Gene: TMEM43 (transmembrane protein 43; plus strand). Cytogenetic location: 3p25.1.
Variant type: single nucleotide variant.
Coding change: c.106A>T on transcript NM_024334.3 (MANE Select); coding-DNA position 106, A replaced by T.
Protein change: p.Met36Leu; replaces methionine 36 with leucine.
Molecular consequence: missense variant. On other transcripts: intron variant (1).
Genome position (GRCh38, 1-based): chr3:14,129,505, A>T. VCF-style: chr3-14129505-A-T. GRCh37 (hg19) VCF-style: chr3-14171005-A-T.
Other names: c.106A>T, p.Met36Leu (NM_001407274.1, NM_001407275.1, NM_001407276.1 and 3 more transcripts); c.13-1317A>T (NM_001407280.1); short protein forms M36L.
Identifiers: ClinVar variation 4742103 (VCV004742103.1).